The following is an entry in ClinVar:

ClinVar aggregate classification (germline): Uncertain significance. Review status: no assertion criteria provided (0 of 4 stars). 2 submissions from 1 submitter: Uncertain significance (1). 1 of the submissions does not count toward it.

Submissions (2):

Richard Lifton Laboratory, Yale University School of Medicine
Classification: Uncertain significance. Review status: no assertion criteria provided. Collection method: not provided. Allele origin: somatic.
Comment: AP4B1:p.K55K
ClinVar note: Converted during submission from unknown to Uncertain significance.

Richard Lifton Laboratory, Yale University School of Medicine
Classification: Uncertain significance. Review status: flagged submission. Collection method: not provided. Allele origin: somatic. Not counted in ClinVar's aggregate classification.
ClinVar note: Converted during submission from unknown to Uncertain significance.
ClinVar note: Reason: This record appears to be redundant with a more recent record from the same submitter.
ClinVar note: Notes: SCV000120079 appears to be redundant with SCV000155183.

NM_001253852.3(AP4B1):c.165G>A (p.Lys55=)

Gene: AP4B1 (adaptor related protein complex 4 subunit beta 1; minus strand). Cytogenetic location: 1p13.2.
Variant type: single nucleotide variant.
Coding change: c.165G>A on transcript NM_001253852.3 (MANE Select); coding-DNA position 165, G replaced by A.
Protein change: p.Lys55=; no amino-acid change (lysine 55 retained).
Molecular consequence: synonymous variant. On other transcripts: intron variant (2).
Genome position (GRCh38, 1-based): chr1:113,902,811, C>T on the plus strand (G>A on the coding strand, the complement: AP4B1 is on the minus strand). VCF-style: chr1-113902811-C-T. GRCh37 (hg19) VCF-style: chr1-114445433-C-T.
Other names: c.165G>A, p.Lys55= (NM_006594.5); c.-56-77G>A (NM_001253853.3); c.113+1794G>A (NM_001308312.2).
Identifiers: ClinVar variation 100855 (VCV000100855.2), dbSNP rs483352732, ClinGen allele CA229136.